The following is an entry in ClinVar:

ClinVar aggregate classification (germline): Uncertain significance (1 of 4 stars; one submission).

Conditions:
NOS1AP-related disorder. Also called: NOS1AP-related condition.

Submission:

PreventionGenetics, part of Exact Sciences
Classification: Uncertain significance for NOS1AP-related condition. Last evaluated: 2023-08-29. Review status: criteria provided, single submitter. Criteria: ACMG Guidelines, 2015. Collection method: clinical testing. Allele origin: germline.
Comment: The NOS1AP c.1349G>C variant is predicted to result in the amino acid substitution p.Gly450Ala. To our knowledge, this variant has not been reported in the literature or in a large population database, indicating this variant is rare. At this time, the clinical significance of this variant is uncertain due to the absence of conclusive functional and genetic evidence.

NM_014697.3(NOS1AP):c.1349G>C (p.Gly450Ala)

Gene: NOS1AP (nitric oxide synthase 1 adaptor protein; plus strand). Cytogenetic location: 1q23.3.
Variant type: single nucleotide variant.
Coding change: c.1349G>C on transcript NM_014697.3 (MANE Select); coding-DNA position 1349, G replaced by C.
Protein change: p.Gly450Ala; replaces glycine 450 with alanine.
Molecular consequence: missense variant.
Genome position (GRCh38, 1-based): chr1:162,367,295, G>C. VCF-style: chr1-162367295-G-C. GRCh37 (hg19) VCF-style: chr1-162337085-G-C.
Other names: c.464G>C, p.Gly155Ala (NM_001126060.2); c.1334G>C, p.Gly445Ala (NM_001164757.2); short protein forms G155A, G445A, G450A.
Identifiers: ClinVar variation 2630924 (VCV002630924.1), dbSNP rs1463885272, ClinGen allele CA343395982.
Genomic context (GRCh38, chr1:162,367,295, plus strand): 5'-GCTTTCGCTTTCTTCCGCCCGAGGACACCCCGCCCCCAGCGCAGGGCGAGGCGCTCCTGG[G>C]CGGTCTGGAGCTCATCAAGTTCCGAGAGTCAGGCATCGCCTCGGAGTACGAGTCCAACAC-3'
Protein context (NP_055512.1, residues 440-460): PPPAQGEALL[Gly450Ala]GLELIKFRES